The following is an entry in ClinVar:

NM_001165963.4(SCN1A):c.5282T>C (p.Val1761Ala)

Genes: SCN1A (sodium voltage-gated channel alpha subunit 1; minus strand), LOC102724058 (uncharacterized LOC102724058; plus strand). Cytogenetic location: 2q24.3.
Variant type: single nucleotide variant.
Coding change: c.5282T>C on transcript NM_001165963.4 (MANE Select); coding-DNA position 5282, T replaced by C.
Protein change: p.Val1761Ala; replaces valine 1761 with alanine.
Molecular consequence: missense variant. On other transcripts: non-coding transcript variant (1).
Genome position (GRCh38, 1-based): chr2:165,991,993, A>G on the plus strand (T>C on the coding strand, the complement: SCN1A is on the minus strand). VCF-style: chr2-165991993-A-G. GRCh37 (hg19) VCF-style: chr2-166848503-A-G.
Other names: c.5198T>C, p.Val1733Ala (NM_001165964.3, NM_001353957.2, NM_001353958.2); c.5282T>C, p.Val1761Ala (NM_001202435.3, NM_001353948.2); c.5249T>C, p.Val1750Ala (NM_001353949.2, NM_001353950.2, NM_001353951.2 and 2 more transcripts); c.5246T>C, p.Val1749Ala (NM_001353954.2, NM_001353955.2); c.5195T>C, p.Val1732Ala (NM_001353960.2); c.2840T>C, p.Val947Ala (NM_001353961.2); short protein forms V1750A, V1761A, V1733A, V947A, V1732A, V1749A.
Identifiers: ClinVar variation 373148 (VCV000373148.9), dbSNP rs1057518252, ClinGen allele CA16042356.
Genomic context (GRCh38, chr2:165,991,993, plus strand): 5'-TACATGTTCACCACAACCAGGAAGGATATGATGATGTAACTGACAAAAAAGAAAATTCCA[A>G]CAGATGGGTTCCCACAGTCTCCCTTAACTGAGCTTCCAGGGTTAACTTTATTAGGGTCAC-3'
Protein context (NP_001159435.1, residues 1751-1771): SVKGDCGNPS[Val1761Ala]GIFFFVSYII

ClinVar aggregate classification (germline): Conflicting classifications of pathogenicity. Review status: criteria provided, conflicting classifications (1 of 4 stars). 2 submissions from 2 submitters: Likely pathogenic (1); Uncertain significance (1). Last evaluated 2024-08-22.

Conditions:
Early-infantile DEE. Also called: Early infantile epileptic encephalopathy; Ohtahara syndrome; Early infantile epileptic encephalopathy with suppression bursts. Identifiers: Orphanet 1934, MedGen C0393706, MONDO:0800491.

Allele frequency attached by ClinVar (database versions not stated): gnomAD exomes below 0.00001.
gnomAD v4.1: 4 of 1,613,922 alleles (0.00025%); highest among the groups gnomAD compares: African/African-American, 0.0013%; no homozygotes.

Submissions (2):

Labcorp Genetics (formerly Invitae), Labcorp
Classification: Uncertain significance for Early-infantile DEE. Last evaluated: 2024-08-22. Review status: criteria provided, single submitter. Criteria: Invitae Variant Classification Sherloc (09022015). Collection method: clinical testing. Allele origin: germline.
Comment: This sequence change replaces valine, which is neutral and non-polar, with alanine, which is neutral and non-polar, at codon 1761 of the SCN1A protein (p.Val1761Ala). This variant is not present in population databases (gnomAD no frequency). This variant has not been reported in the literature in individuals affected with SCN1A-related conditions. ClinVar contains an entry for this variant (Variation ID: 373148). Invitae Evidence Modeling of protein sequence and biophysical properties (such as structural, functional, and spatial information, amino acid conservation, physicochemical variation, residue mobility, and thermodynamic stability) indicates that this missense variant is expected to disrupt SCN1A protein function with a positive predictive value of 95%. In summary, the available evidence is currently insufficient to determine the role of this variant in disease. Therefore, it has been classified as a Variant of Uncertain Significance.

GeneDx
Classification: Likely pathogenic. Last evaluated: 2016-11-10. Review status: criteria provided, single submitter. Criteria: GeneDx Variant Classification (06012015). Collection method: clinical testing. Allele origin: germline. Affected: yes.
Comment: A novel V1761A variant that is likely pathogenic has been identified in the SCN1A gene. The V1761A variant has not been published as a pathogenic variant, nor has it been reported as a benign variant to our knowledge. It was not observed in approximately 6,500 individuals of European and African American ancestry in the NHLBI Exome Sequencing Project, indicating it is not a common benign variant in these populations. The V1761A variant is a conservative amino acid substitution, which is not likely to impact secondary protein structure as these residues share similar properties. However, this substitution alters a conserved position that is predicted to be within the pore forming loop between the S5 and S6 transmembrane segments of the fourth homologous domain. Additionally, in silico analysis predicts this variant is probably damaging to the protein structure/function. Furthermore, missense variants in nearby residues (C1756G, G1757R, G1762E, F1765L) have been reported in the Human Gene Mutation Database in association with SCN1A-related disorders (Stenson et al., 2014), supporting the functional importance of this region of the protein. Therefore, this variant is likely pathogenic; however, the possibility that it is benign cannot be excluded.